The following is an entry in ClinVar:

ClinVar aggregate classification (germline): Likely pathogenic. Review status: criteria provided, multiple submitters, no conflicts (2 of 4 stars). 2 submissions from 2 submitters: Likely pathogenic (2). Last evaluated 2022-01-18.

Conditions:
Congenital heart defects and skeletal malformations syndrome. Identifiers: Orphanet 643503, MedGen C4539857, MONDO:0060532, OMIM 617602.
ABL1-related disorder. Also called: ABL1-related condition.

Submissions (2):

Genetics and Molecular Pathology, SA Pathology
Classification: Likely pathogenic for Congenital heart defects and skeletal malformations syndrome. Last evaluated: 2022-01-18. Review status: criteria provided, single submitter. Criteria: ACMG Guidelines, 2015. Collection method: clinical testing. Allele origin: germline. Inheritance: Autosomal dominant inheritance. Affected: yes.
Comment: The ABL1 c.1511A>G variant is classified as LIKELY PATHOGENIC (PP3, PM2, PS2) The ABL1 c.1511A>G variant is a single nucleotide change in exon 9/11 of the ABL1 gene, which is predicted to change the amino acid aspartic acid at position 504 in the protein to glycine. This variant has not been reported in dbSNP and is absent from population databses (PM2). This variant has not been reported in the ClinVar of HGMD disease databases. Computational predictions support a deleterious effect on the gene or gene product (PP3).

Blueprint Genetics
Classification: Likely pathogenic for ABL1-related disorders. Last evaluated: 2019-07-19. Review status: criteria provided, single submitter. Criteria: ACMG Guidelines, 2015. Collection method: clinical testing. Allele origin: de novo. Affected: yes. Observed: 1 variant allele.

NM_005157.6(ABL1):c.1511A>G (p.Asp504Gly)

Gene: ABL1 (ABL proto-oncogene 1, non-receptor tyrosine kinase; plus strand). Cytogenetic location: 9q34.12.
Variant type: single nucleotide variant.
Coding change: c.1511A>G on transcript NM_005157.6 (MANE Select); coding-DNA position 1511, A replaced by G.
Protein change: p.Asp504Gly; replaces aspartic acid 504 with glycine.
Molecular consequence: missense variant.
Genome position (GRCh38, 1-based): chr9:130,880,155, A>G. VCF-style: chr9-130880155-A-G. GRCh37 (hg19) VCF-style: chr9-133755542-A-G.
Other names: c.1568A>G, p.Asp523Gly (NM_007313.3); short protein forms D504G, D523G.
Identifiers: ClinVar variation 1803095 (VCV001803095.2), dbSNP rs2133022634, ClinGen allele CA375251730.